The following is an entry in ClinVar:

ClinVar aggregate classification (germline): Uncertain significance. Review status: criteria provided, multiple submitters, no conflicts (2 of 4 stars). 2 submissions from 2 submitters: Uncertain significance (2). Last evaluated 2024-09-16.

Conditions:
Acrocallosal syndrome (ACLS). Also called: HALLUX DUPLICATION, POSTAXIAL POLYDACTYLY, AND ABSENCE OF CORPUS CALLOSUM; Schinzel syndrome 1; Absence of corpus callosum with unusual facial appearance, mental deficiency, duplication of the halluces and polydactyly. Identifiers: Orphanet 36, MedGen C0796147, MONDO:0008708, OMIM 200990.

Allele frequency attached by ClinVar (database versions not stated): gnomAD exomes 0.00001 and 0.00005; gnomAD 0.00002 and 0.00005; TOPMed 0.00005; 1000 Genomes Project 30x 0.00016.
gnomAD v4.1: 28 of 1,551,640 alleles (0.0018%); highest among the groups gnomAD compares: East Asian, 0.051%; no homozygotes.

Submissions (2):

Labcorp Genetics (formerly Invitae), Labcorp
Classification: Uncertain significance for Acrocallosal syndrome. Last evaluated: 2024-09-16. Review status: criteria provided, single submitter. Criteria: Invitae Variant Classification Sherloc (09022015). Collection method: clinical testing. Allele origin: germline.
Comment: This sequence change replaces histidine, which is basic and polar, with tyrosine, which is neutral and polar, at codon 54 of the KIF7 protein (p.His54Tyr). This variant is present in population databases (rs794727315, gnomAD 0.07%). This missense change has been observed in individual(s) with clinical features of KIF7-related disorders (PMID: 34489640). ClinVar contains an entry for this variant (Variation ID: 195440). Invitae Evidence Modeling of protein sequence and biophysical properties (such as structural, functional, and spatial information, amino acid conservation, physicochemical variation, residue mobility, and thermodynamic stability) indicates that this missense variant is not expected to disrupt KIF7 protein function with a negative predictive value of 80%. In summary, the available evidence is currently insufficient to determine the role of this variant in disease. Therefore, it has been classified as a Variant of Uncertain Significance.

Eurofins Ntd Llc (ga)
Classification: Uncertain significance. Last evaluated: 2015-01-28. Review status: criteria provided, single submitter. Criteria: EGL Classification Definitions 2015. Collection method: clinical testing. Allele origin: germline. Observed: 1 variant allele, 1 heterozygote.

Literature cited by the submitters: PubMed 34489640 (cited by Labcorp Genetics (formerly Invitae), Labcorp).

NM_198525.3(KIF7):c.160C>T (p.His54Tyr)

Gene: KIF7 (kinesin family member 7; minus strand). Cytogenetic location: 15q26.1.
Variant type: single nucleotide variant.
Coding change: c.160C>T on transcript NM_198525.3 (MANE Select); coding-DNA position 160, C replaced by T.
Protein change: p.His54Tyr; replaces histidine 54 with tyrosine.
Molecular consequence: missense variant.
Genome position (GRCh38, 1-based): chr15:89,652,771, G>A on the plus strand (C>T on the coding strand, the complement: KIF7 is on the minus strand). VCF-style: chr15-89652771-G-A. GRCh37 (hg19) VCF-style: chr15-90196002-G-A.
Other names: short protein forms H54Y.
Identifiers: ClinVar variation 195440 (VCV000195440.6), dbSNP rs794727315, ClinGen allele CA020225.
Genomic context (GRCh38, chr15:89,652,771, plus strand): 5'-AGGCCTGGTACACGGCCTCCTGCCCCGCATCCTCGGCCAGCACCACGTGGAAGCCAAAGT[G>A]TCGGTCACGGCCCAGAGTGACGCGGCCAAGCCCTGGCTCCACCTGCAGGCAGCTCTGATG-3'
Protein context (NP_940927.2, residues 44-64): LGRVTLGRDR[His54Tyr]FGFHVVLAED